The following is an entry in ClinVar:

NM_001032283.3(TMPO):c.565+2425C>T

Gene: TMPO (thymopoietin; plus strand). Cytogenetic location: 12q23.1.
Variant type: single nucleotide variant.
Coding change: c.565+2425C>T on transcript NM_001032283.3 (MANE Select); 2425 bases into the intron after coding-DNA position 565, C replaced by T.
Molecular consequence: intron variant. On other transcripts: missense variant (1).
Genome position (GRCh38, 1-based): chr12:98,534,263, C>T. VCF-style: chr12-98534263-C-T. GRCh37 (hg19) VCF-style: chr12-98928041-C-T.
Other names: c.2006C>T, p.Ala669Val (NM_003276.2); c.565+2425C>T (NM_001307975.2, NM_001032284.3); short protein forms A669V.
Identifiers: ClinVar variation 1058659 (VCV001058659.9), dbSNP rs1268085556, ClinGen allele CA386154408.

ClinVar aggregate classification (germline): Uncertain significance (1 of 4 stars; one submission).

Conditions:
Loeys-Dietz syndrome 2 (LDS2). Also called: TGFBR2-Related Loeys-Dietz Syndrome; Marfan Syndrome type 2; Marfan like connective tissue disorder; MFS 2; Marfan syndrome, type 2 (formerly); AORTIC ANEURYSM, FAMILIAL THORACIC 3. Identifiers: Orphanet 284973, Orphanet 558, MedGen C2674574, MONDO:0012427, OMIM 610168.

Allele frequency attached by ClinVar (database versions not stated): gnomAD exomes below 0.00001.
gnomAD v4.1: 1 of 1,613,628 alleles (0.000062%); highest among the groups gnomAD compares: Non-Finnish European, 0.000085%; no homozygotes.

Submission:

Labcorp Genetics (formerly Invitae), Labcorp
Classification: Uncertain significance for Loeys-Dietz syndrome 2. Last evaluated: 2024-10-15. Review status: criteria provided, single submitter. Criteria: Invitae Variant Classification Sherloc (09022015). Collection method: clinical testing. Allele origin: germline.
Comment: This sequence change replaces alanine, which is neutral and non-polar, with valine, which is neutral and non-polar, at codon 669 of the TMPO protein (p.Ala669Val). This variant is not present in population databases (gnomAD no frequency). This variant has not been reported in the literature in individuals affected with TMPO-related conditions. ClinVar contains an entry for this variant (Variation ID: 1058659). Invitae Evidence Modeling of protein sequence and biophysical properties (such as structural, functional, and spatial information, amino acid conservation, physicochemical variation, residue mobility, and thermodynamic stability) indicates that this missense variant is not expected to disrupt TMPO protein function with a negative predictive value of 80%. In summary, the available evidence is currently insufficient to determine the role of this variant in disease. Therefore, it has been classified as a Variant of Uncertain Significance.